The following is an entry in ClinVar:

NM_000127.3(EXT1):c.343A>G (p.Lys115Glu)

Gene: EXT1 (exostosin glycosyltransferase 1; minus strand). Cytogenetic location: 8q24.11.
Variant type: single nucleotide variant.
Coding change: c.343A>G on transcript NM_000127.3 (MANE Select); coding-DNA position 343, A replaced by G.
Protein change: p.Lys115Glu; replaces lysine 115 with glutamic acid.
Molecular consequence: missense variant.
Genome position (GRCh38, 1-based): chr8:118,110,704, T>C on the plus strand (A>G on the coding strand, the complement: EXT1 is on the minus strand). VCF-style: chr8-118110704-T-C. GRCh37 (hg19) VCF-style: chr8-119122943-T-C.
Other names: short protein forms K115E.
Identifiers: ClinVar variation 3618763 (VCV003618763.2).

ClinVar aggregate classification (germline): Uncertain significance (1 of 4 stars; one submission).

Conditions:
Multiple congenital exostosis (EXT). Also called: Multiple osteochondromas; Multiple exostoses; Hereditary multiple osteochondromas; Hereditary multiple exostoses; Hereditary multiple exostosis; MULTIPLE CARTILAGINOUS EXOSTOSES. Identifiers: Orphanet 321, MedGen C0015306, MONDO:0005508, HP:0002762.

Submission:

Labcorp Genetics (formerly Invitae), Labcorp
Classification: Uncertain significance for Multiple congenital exostosis. Last evaluated: 2024-04-22. Review status: criteria provided, single submitter. Criteria: Invitae Variant Classification Sherloc (09022015). Collection method: clinical testing. Allele origin: germline.
Comment: This sequence change replaces lysine, which is basic and polar, with glutamic acid, which is acidic and polar, at codon 115 of the EXT1 protein (p.Lys115Glu). This variant is not present in population databases (gnomAD no frequency). This variant has not been reported in the literature in individuals affected with EXT1-related conditions. Advanced modeling of protein sequence and biophysical properties (such as structural, functional, and spatial information, amino acid conservation, physicochemical variation, residue mobility, and thermodynamic stability) performed at Invitae indicates that this missense variant is expected to disrupt EXT1 protein function with a positive predictive value of 80%. In summary, the available evidence is currently insufficient to determine the role of this variant in disease. Therefore, it has been classified as a Variant of Uncertain Significance.